The following is an entry in ClinVar:

NM_015922.3(NSDHL):c.404C>T (p.Ala135Val)

Gene: NSDHL (NAD(P) dependent 3-beta-hydroxysteroid dehydrogenase NSDHL; plus strand). Cytogenetic location: Xq28.
Variant type: single nucleotide variant.
Coding change: c.404C>T on transcript NM_015922.3 (MANE Select); coding-DNA position 404, C replaced by T.
Protein change: p.Ala135Val; replaces alanine 135 with valine.
Molecular consequence: missense variant.
Genome position (GRCh38, 1-based): chrX:152,858,906, C>T. VCF-style: chrX-152858906-C-T. GRCh37 (hg19) VCF-style: chrX-152027450-C-T.
Other names: NC_000023.10:g.152027450C>T; c.404C>T, p.Ala135Val (NM_001129765.2, NM_001441099.1); short protein forms A135V.
Identifiers: ClinVar variation 4476523 (VCV004476523.3).

ClinVar aggregate classification (germline): Uncertain significance (1 of 4 stars; one submission).

gnomAD v4.1: 1 of 1,207,999 alleles (0.000083%); highest among the groups gnomAD compares: Non-Finnish European, 0.00011%; no homozygotes.

Submissions (2):

Dasa
Classification: Uncertain significance. Last evaluated: 2025-04-02. Review status: criteria provided, single submitter. Criteria: DASA Assertion Criteria. Collection method: clinical testing. Allele origin: germline.
Comment: NM_015922.3(NSDHL):c.404C>T (p.Ala135Val) is a missense variant that results in the substitution of alanine with valine. This variant is rare in population databases. Computational prediction algorithms are consistent with a benign effect. The currently available literature and clinical evidence are not sufficient to establish a definitive association between this variant and the reported condition. Therefore, this variant is classified as a variant of uncertain significance.

Dr. Peter K. Rogan Lab, Western University
No classification provided (evidence only). Condition: Thyroid cancer, nonmedullary, 1. Review status: no classification provided. Collection method: in vitro. Allele origin: not applicable. Functional consequence: retained intron. Not counted in ClinVar's aggregate classification.